The following is an entry in ClinVar:

ClinVar aggregate classification (germline): Uncertain significance. Review status: criteria provided, single submitter (1 of 4 stars). 3 submissions from 2 submitters: Uncertain significance (1). 2 of the submissions do not count toward it. Last evaluated 2022-03-09.

Conditions:
Retinitis pigmentosa 35 (RP35). Identifiers: Orphanet 791, MedGen C1853214, MONDO:0012463, OMIM 610282.
Cone-rod dystrophy 10 (CORD10). Identifiers: Orphanet 1872, MedGen C1846529, MONDO:0012464, OMIM 610283.

Allele frequency attached by ClinVar (database versions not stated): gnomAD 0.00001; gnomAD exomes 0.00001; TOPMed 0.00001.
gnomAD v4.1: 5 of 1,613,994 alleles (0.00031%); highest among the groups gnomAD compares: Non-Finnish European, 0.00042%; no homozygotes.

Submissions (3):

Labcorp Genetics (formerly Invitae), Labcorp
Classification: Uncertain significance. Last evaluated: 2022-03-09. Review status: criteria provided, single submitter. Criteria: Invitae Variant Classification Sherloc (09022015). Collection method: clinical testing. Allele origin: germline.
Comment: This sequence change replaces aspartic acid, which is acidic and polar, with histidine, which is basic and polar, at codon 345 of the SEMA4A protein (p.Asp345His). This variant is not present in population databases (gnomAD no frequency). This variant has not been reported in the literature in individuals affected with SEMA4A-related conditions. ClinVar contains an entry for this variant (Variation ID: 3360). Algorithms developed to predict the effect of missense changes on protein structure and function are either unavailable or do not agree on the potential impact of this missense change (SIFT: "Deleterious"; PolyPhen-2: "Probably Damaging"; Align-GVGD: "Class C0"). Experimental studies have shown that this missense change affects SEMA4A function (PMID: 22956603). Algorithms developed to predict the effect of sequence changes on RNA splicing suggest that this variant may disrupt the consensus splice site. In summary, the available evidence is currently insufficient to determine the role of this variant in disease. Therefore, it has been classified as a Variant of Uncertain Significance.

OMIM
Classification: Pathogenic for RETINITIS PIGMENTOSA 35. Last evaluated: 2013-01-01. Review status: no assertion criteria provided. Collection method: literature only. Allele origin: germline. Not counted in ClinVar's aggregate classification.

OMIM
Classification: Pathogenic for CONE-ROD DYSTROPHY 10. Last evaluated: 2013-01-01. Review status: no assertion criteria provided. Collection method: literature only. Allele origin: germline. Not counted in ClinVar's aggregate classification.

Literature cited by the submitters: PubMed 22956603 (cited by Labcorp Genetics (formerly Invitae), Labcorp); PubMed 16199541 (cited by OMIM); PubMed 23360997 (cited by OMIM).

NM_022367.4(SEMA4A):c.1033G>C (p.Asp345His)

Gene: SEMA4A (semaphorin 4A; plus strand). Cytogenetic location: 1q22.
Variant type: single nucleotide variant.
Coding change: c.1033G>C on transcript NM_022367.4 (MANE Select); coding-DNA position 1033, G replaced by C.
Protein change: p.Asp345His; replaces aspartic acid 345 with histidine.
Molecular consequence: missense variant.
Genome position (GRCh38, 1-based): chr1:156,162,993, G>C. VCF-style: chr1-156162993-G-C. GRCh37 (hg19) VCF-style: chr1-156132784-G-C.
Other names: c.1033G>C, p.Asp345His (NM_001193300.2, NM_001193301.2, NM_001370567.1); c.637G>C, p.Asp213His (NM_001193302.2); c.736G>C, p.Asp246His (NM_001370568.1); c.526G>C, p.Asp176His (NM_001370569.1, NM_001370571.1); short protein forms D345H, D176H, D213H, D246H.
Identifiers: ClinVar variation 3360 (VCV000003360.6), dbSNP rs267607033, ClinGen allele CA116160.